The following is an entry in ClinVar:

ClinVar aggregate classification (germline): Uncertain significance. Review status: criteria provided, multiple submitters, no conflicts (2 of 4 stars). 3 submissions from 3 submitters: Uncertain significance (3). Last evaluated 2024-01-02.

Conditions:
Cerebral arteriopathy, autosomal dominant, with subcortical infarcts and leukoencephalopathy, type 1 (CADASIL1). Also called: DEMENTIA, HEREDITARY MULTIINFARCT TYPE; CADASIL 1; CASIL; Cerebral arteriopathy with subcortical infarcts and leukoencephalopathy 1. Identifiers: Orphanet 136, MedGen C4551768, MONDO:0000914, OMIM 125310.

Allele frequency attached by ClinVar (database versions not stated): gnomAD 0.00003; TOPMed 0.00003; gnomAD exomes below 0.00001.
gnomAD v4.1: 5 of 1,613,780 alleles (0.00031%); highest among the groups gnomAD compares: African/African-American, 0.0067%; no homozygotes.

Submissions (3):

Mayo Clinic Laboratories, Mayo Clinic
Classification: Uncertain significance. Last evaluated: 2024-01-02. Review status: criteria provided, single submitter. Criteria: ACMG Guidelines, 2015. Collection method: clinical testing. Allele origin: germline. Observed: 1 variant allele.
Comment: BP1, PM2_moderate

Athena Diagnostics
Classification: Uncertain significance. Last evaluated: 2023-04-21. Review status: criteria provided, single submitter. Criteria: Athena Diagnostics Criteria. Collection method: clinical testing. Allele origin: unknown.
Comment: Available data are insufficient to determine the clinical significance of the variant at this time. The frequency of this variant in the general population is higher than would generally be expected for pathogenic variants in this gene. Computational tools disagree on the variant's effect on normal protein function. Greater than 90% of NOTCH3 pathogenic variants associated with CADASIL involve the gain or loss of a cysteine residue within the epidermal growth factor (EGF)-like repeat domain (PMID: 32457593, 20301673).

Illumina Laboratory Services, Illumina
Classification: Uncertain significance for Cerebral arteriopathy, autosomal dominant, with subcortical infarcts and leukoencephalopathy, type 1. Last evaluated: 2018-01-13. Review status: criteria provided, single submitter. Criteria: ICSL Variant Classification Criteria 13 December 2019. Collection method: clinical testing. Allele origin: germline.

NM_000435.3(NOTCH3):c.2455C>G (p.Pro819Ala)

Gene: NOTCH3 (notch receptor 3; minus strand). Cytogenetic location: 19p13.12.
Variant type: single nucleotide variant.
Coding change: c.2455C>G on transcript NM_000435.3 (MANE Select); coding-DNA position 2455, C replaced by G.
Protein change: p.Pro819Ala; replaces proline 819 with alanine.
Molecular consequence: missense variant.
Genome position (GRCh38, 1-based): chr19:15,184,406, G>C on the plus strand (C>G on the coding strand, the complement: NOTCH3 is on the minus strand). VCF-style: chr19-15184406-G-C. GRCh37 (hg19) VCF-style: chr19-15295217-G-C.
Other names: p.Pro819Ala; short protein forms P819A.
Identifiers: ClinVar variation 890311 (VCV000890311.6), dbSNP rs1301248585, ClinGen allele CA404519804.
Genomic context (GRCh38, chr19:15,184,406, plus strand): 5'-CATGGCAGGTGCAGCTGAAACTCCCTGCCAGGTTGGTGCAGATACCATGAGGGCCACAGG[G>C]TGCGGGGCCAGCACACTCGTCCACATCCTGCTGGCATCGTGGGCCTGGGGGTAGGGAGCA-3'
Protein context (NP_000426.2, residues 809-829): QDVDECAGPA[Pro819Ala]CGPHGICTNL